The following is an entry in ClinVar:

NM_022552.5(DNMT3A):c.1714G>C (p.Ala572Pro)

Gene: DNMT3A (DNA methyltransferase 3 alpha; minus strand). Cytogenetic location: 2p23.3.
Variant type: single nucleotide variant.
Coding change: c.1714G>C on transcript NM_022552.5 (MANE Select); coding-DNA position 1714, G replaced by C.
Protein change: p.Ala572Pro; replaces alanine 572 with proline.
Molecular consequence: missense variant. On other transcripts: non-coding transcript variant (1).
Genome position (GRCh38, 1-based): chr2:25,244,292, C>G on the plus strand (G>C on the coding strand, the complement: DNMT3A is on the minus strand). VCF-style: chr2-25244292-C-G. GRCh37 (hg19) VCF-style: chr2-25467161-C-G.
Other names: c.1258G>C, p.Ala420Pro (NM_001320893.1); c.1045G>C, p.Ala349Pro (NM_001375819.1); c.1147G>C, p.Ala383Pro (NM_153759.3); c.1714G>C, p.Ala572Pro (NM_175629.2); short protein forms A349P, A383P, A420P, A572P.
Identifiers: ClinVar variation 1801993 (VCV001801993.1), dbSNP rs2149289862, ClinGen allele CA346071943.

ClinVar aggregate classification (germline): Uncertain significance (1 of 4 stars; one submission).

Submission:

GeneDx
Classification: Uncertain significance. Last evaluated: 2022-05-25. Review status: criteria provided, single submitter. Criteria: GeneDx Variant Classification Process June 2021. Collection method: clinical testing. Allele origin: germline. Affected: yes.
Comment: Not observed at significant frequency in large population cohorts (gnomAD); In silico analysis supports that this missense variant has a deleterious effect on protein structure/function; Has not been previously published as pathogenic or benign to our knowledge